The following is an entry in ClinVar:

NM_002299.4(LCT):c.4967_4976del (p.Asn1656fs)

Gene: LCT (lactase; minus strand). Cytogenetic location: 2q21.3.
Variant type: Deletion.
Coding change: c.4967_4976del on transcript NM_002299.4 (MANE Select); coding-DNA positions 4967 to 4976, 10 bases deleted (ACAAGTCTCG; older notation c.4967_4976delACAAGTCTCG).
Protein change: p.Asn1656fs; shifts the reading frame from asparagine 1656.
Molecular consequence: frameshift variant.
Genome position (GRCh38, 1-based): chr2:135,798,029-135,798,038, CGAGACTTGT deleted on the plus strand (ACAAGTCTCG on the coding strand, the reverse complement: LCT is on the minus strand). VCF-style (leftmost placement, unchanged base first): chr2-135798028-CCGAGACTTGT-C. GRCh37 (hg19) VCF-style: chr2-136555598-CCGAGACTTGT-C.
Other names: c.4967_4976del10 (NM_002299.3); short protein forms N1656fs.
Identifiers: ClinVar variation 1073986 (VCV001073986.9), dbSNP rs2077596325, ClinGen allele CA1290826506.

ClinVar aggregate classification (germline): Pathogenic. Review status: criteria provided, single submitter (1 of 4 stars). 2 submissions from 2 submitters: Pathogenic (1). 1 of the submissions does not count toward it. Last evaluated 2023-10-11.

Conditions:
LCT-related disorder. Also called: LCT-related condition.

Allele frequency attached by ClinVar (database versions not stated): gnomAD exomes 0.00001.

Submissions (2):

Labcorp Genetics (formerly Invitae), Labcorp
Classification: Pathogenic. Last evaluated: 2023-10-11. Review status: criteria provided, single submitter. Criteria: Invitae Variant Classification Sherloc (09022015). Collection method: clinical testing. Allele origin: germline.
Comment: This sequence change creates a premature translational stop signal (p.Asn1656Serfs*64) in the LCT gene. It is expected to result in an absent or disrupted protein product. Loss-of-function variants in LCT are known to be pathogenic (PMID: 16400612, 25881162). This variant is not present in population databases (gnomAD no frequency). This variant has not been reported in the literature in individuals affected with LCT-related conditions. ClinVar contains an entry for this variant (Variation ID: 1073986). Algorithms developed to predict the effect of sequence changes on RNA splicing suggest that this variant may disrupt the consensus splice site. For these reasons, this variant has been classified as Pathogenic.

PreventionGenetics, part of Exact Sciences
Classification: Likely pathogenic for LCT-related condition. Last evaluated: 2024-01-28. Review status: no assertion criteria provided. Collection method: clinical testing. Allele origin: germline. Not counted in ClinVar's aggregate classification.
Comment: The LCT c.4967_4976del10 variant is predicted to result in a frameshift and premature protein termination (p.Asn1656Serfs*64). To our knowledge, this variant has not been reported in the literature or the gnomAD population database, indicating this variant is rare. Frameshift variants in LCT are expected to be pathogenic. This variant is interpreted as likely pathogenic.

Literature cited by the submitters: PubMed 16400612 (cited by Labcorp Genetics (formerly Invitae), Labcorp); PubMed 25881162 (cited by Labcorp Genetics (formerly Invitae), Labcorp).